The following is an entry in ClinVar:

NM_001271.4(CHD2):c.4987dup (p.His1663fs)

Gene: CHD2 (chromodomain helicase DNA binding protein 2; plus strand). Cytogenetic location: 15q26.1.
Variant type: Duplication.
Coding change: c.4987dup on transcript NM_001271.4 (MANE Select); coding-DNA position 4987, one base duplicated (C; older notation c.4987dupC).
Protein change: p.His1663fs; shifts the reading frame from histidine 1663.
Molecular consequence: frameshift variant.
Genome position (GRCh38, 1-based): chr15:93,020,092, C duplicated; the last of 2 consecutive C bases (chr15:93,020,091-93,020,092); duplicating either gives the same sequence. VCF-style (leftmost placement, unchanged base first): chr15-93020090-A-AC. GRCh37 (hg19) VCF-style: chr15-93563320-A-AC.
Other names: short protein forms H1663fs.
Identifiers: ClinVar variation 2035053 (VCV002035053.4), dbSNP rs2505641876, ClinGen allele CA2580090331.
Genomic context (GRCh38, chr15:93,020,090, plus strand): 5'-GGGAAAGAAAGTTCAACTATGGTGGTGGCAACAACAATCCACCATGGGGAAGCGACAGGC[A>AC]CCATCAGTATGAGCAGCACTGGTACAAGGACCACCATTATGGGGACCGGCGACATATGGA-3'

ClinVar aggregate classification (germline): Pathogenic (1 of 4 stars; one submission).

Conditions:
Developmental and epileptic encephalopathy 94 (DEE94). Also called: CHD2-Related Neurodevelopmental Disorders; Epileptic encephalopathy, childhood-onset. Identifiers: Orphanet 1942, Orphanet 2382, MedGen C3809278, MONDO:0014150, OMIM 615369.

Submission:

Labcorp Genetics (formerly Invitae), Labcorp
Classification: Pathogenic for Developmental and epileptic encephalopathy 94. Last evaluated: 2024-10-22. Review status: criteria provided, single submitter. Criteria: Invitae Variant Classification Sherloc (09022015). Collection method: clinical testing. Allele origin: germline.
Comment: This sequence change creates a premature translational stop signal (p.His1663Profs*4) in the CHD2 gene. It is expected to result in an absent or disrupted protein product. Loss-of-function variants in CHD2 are known to be pathogenic (PMID: 23708187, 24207121). This variant is not present in population databases (gnomAD no frequency). This premature translational stop signal has been observed in individual(s) with CHD2-related conditions (PMID: 34713950). ClinVar contains an entry for this variant (Variation ID: 2035053). For these reasons, this variant has been classified as Pathogenic.

Literature cited by the submitters: PubMed 23708187; PubMed 24207121; PubMed 34713950.